The following is an entry in ClinVar:

ClinVar aggregate classification (germline): Uncertain significance (1 of 4 stars; one submission).

Conditions:
Werner syndrome (WRN). Identifiers: Orphanet 902, MedGen C0043119, MONDO:0010196, OMIM 277700.

Submission:

Labcorp Genetics (formerly Invitae), Labcorp
Classification: Uncertain significance for Werner syndrome. Last evaluated: 2021-11-01. Review status: criteria provided, single submitter. Criteria: Invitae Variant Classification Sherloc (09022015). Collection method: clinical testing. Allele origin: germline.
Comment: This sequence change replaces aspartic acid, which is acidic and polar, with valine, which is neutral and non-polar, at codon 659 of the WRN protein (p.Asp659Val). This variant is not present in population databases (gnomAD no frequency). This variant has not been reported in the literature in individuals affected with WRN-related conditions. Algorithms developed to predict the effect of missense changes on protein structure and function are either unavailable or do not agree on the potential impact of this missense change (SIFT: "Not Available"; PolyPhen-2: "Benign"; Align-GVGD: "Not Available"). In summary, the available evidence is currently insufficient to determine the role of this variant in disease. Therefore, it has been classified as a Variant of Uncertain Significance.

NM_000553.6(WRN):c.1976A>T (p.Asp659Val)

Gene: WRN (WRN RecQ like helicase; plus strand). Cytogenetic location: 8p12.
Variant type: single nucleotide variant.
Coding change: c.1976A>T on transcript NM_000553.6 (MANE Select); coding-DNA position 1976, A replaced by T.
Protein change: p.Asp659Val; replaces aspartic acid 659 with valine.
Molecular consequence: missense variant.
Genome position (GRCh38, 1-based): chr8:31,096,845, A>T. VCF-style: chr8-31096845-A-T. GRCh37 (hg19) VCF-style: chr8-30954361-A-T.
Other names: short protein forms D659V.
Identifiers: ClinVar variation 1348704 (VCV001348704.6), dbSNP rs2130203598, ClinGen allele CA370929924.